The following is an entry in ClinVar:

NM_138704.4(NSMCE3):c.107C>T (p.Ala36Val)

Genes: ENTREP2 (endosomal transmembrane epsin interactor 2; minus strand), NSMCE3 (NSE3 homolog, SMC5-SMC6 complex component; minus strand). Cytogenetic location: 15q13.1.
Variant type: single nucleotide variant.
Coding change: c.107C>T on transcript NM_138704.4 (MANE Select); coding-DNA position 107, C replaced by T.
Protein change: p.Ala36Val; replaces alanine 36 with valine.
Molecular consequence: missense variant. On other transcripts: intron variant (5).
Genome position (GRCh38, 1-based): chr15:29,269,599, G>A on the plus strand (C>T on the coding strand, the complement: NSMCE3 is on the minus strand). VCF-style: chr15-29269599-G-A. GRCh37 (hg19) VCF-style: chr15-29561803-G-A.
Other names: c.-12-17121C>T (NM_001387217.1, NM_001387215.1, NM_001387216.1); c.277-17121C>T (NM_001387214.1, NM_015307.2); short protein forms A36V.
Identifiers: ClinVar variation 2421299 (VCV002421299.2), dbSNP rs201005348, ClinGen allele CA7446230.

ClinVar aggregate classification (germline): Uncertain significance (1 of 4 stars; one submission).

Allele frequency attached by ClinVar (database versions not stated): TOPMed 0.00003; gnomAD 0.00004; 1000 Genomes Project 30x 0.00016; 1000 Genomes Project 0.00020.
gnomAD v4.1: 79 of 1,556,224 alleles (0.0051%); highest among the groups gnomAD compares: Non-Finnish European, 0.0066%; no homozygotes.

Submission:

Labcorp Genetics (formerly Invitae), Labcorp
Classification: Uncertain significance. Last evaluated: 2022-04-04. Review status: criteria provided, single submitter. Criteria: Invitae Variant Classification Sherloc (09022015). Collection method: clinical testing. Allele origin: germline.
Comment: This sequence change replaces alanine, which is neutral and non-polar, with valine, which is neutral and non-polar, at codon 36 of the NSMCE3 protein (p.Ala36Val). This variant is present in population databases (rs201005348, gnomAD 0.02%). This variant has not been reported in the literature in individuals affected with NSMCE3-related conditions. Algorithms developed to predict the effect of missense changes on protein structure and function (SIFT, PolyPhen-2, Align-GVGD) all suggest that this variant is likely to be tolerated. In summary, the available evidence is currently insufficient to determine the role of this variant in disease. Therefore, it has been classified as a Variant of Uncertain Significance.